The following is an entry in ClinVar:

NM_030662.4(MAP2K2):c.1049T>G (p.Leu350Arg)

Gene: MAP2K2 (mitogen-activated protein kinase kinase 2; minus strand). Cytogenetic location: 19p13.3.
Variant type: single nucleotide variant.
Coding change: c.1049T>G on transcript NM_030662.4 (MANE Select); coding-DNA position 1049, T replaced by G.
Protein change: p.Leu350Arg; replaces leucine 350 with arginine.
Molecular consequence: missense variant.
Genome position (GRCh38, 1-based): chr19:4,094,496, A>C on the plus strand (T>G on the coding strand, the complement: MAP2K2 is on the minus strand). VCF-style: chr19-4094496-A-C. GRCh37 (hg19) VCF-style: chr19-4094494-A-C.
Other names: short protein forms L350R.
Identifiers: ClinVar variation 3774802 (VCV003774802.1).
Genomic context (GRCh38, chr19:4,094,496, plus strand): 5'-CCGCTGGCATCACTCACTGTGAGCATCTTCAGGTCCGCCCGCTCCGCTGGGTTCTTGATG[A>C]GGCTGGGGGTTCCAAGAGGCAGGACCGGGAGGCGGTGGAGGAGACAAGACAGGGCAGTCA-3'
Protein context (NP_109587.1, residues 340-360): PDFQEFVNKC[Leu350Arg]IKNPAERADL

ClinVar aggregate classification (germline): Uncertain significance (1 of 4 stars; one submission).

Submission:

GeneDx
Classification: Uncertain significance. Last evaluated: 2024-09-26. Review status: criteria provided, single submitter. Criteria: GeneDx Variant Classification Process June 2021. Collection method: clinical testing. Allele origin: germline. Affected: yes.
Comment: Not observed at significant frequency in large population cohorts (gnomAD); In silico analysis supports that this missense variant has a deleterious effect on protein structure/function; Missense variants in this gene are a common cause of disease and they are underrepresented in the general population; Has not been previously published as pathogenic or benign to our knowledge